The following is an entry in ClinVar:

NM_014140.4(SMARCAL1):c.1645-2A>T

Gene: SMARCAL1 (SNF2 related chromatin remodeling annealing helicase 1; plus strand). Cytogenetic location: 2q35.
Variant type: single nucleotide variant.
Coding change: c.1645-2A>T on transcript NM_014140.4 (MANE Select); the canonical splice acceptor site of the intron before coding-DNA position 1645, A replaced by T.
Molecular consequence: splice acceptor variant.
Genome position (GRCh38, 1-based): chr2:216,438,418, A>T. VCF-style: chr2-216438418-A-T. GRCh37 (hg19) VCF-style: chr2-217303141-A-T.
Other names: c.1645-2A>T (NM_001127207.2).
Identifiers: ClinVar variation 2749446 (VCV002749446.3), dbSNP rs2106040403, ClinGen allele CA350501134.
Genomic context (GRCh38, chr2:216,438,418, plus strand): 5'-GACCCATATTTCTGTCCACTCAGGATTGGATCTTGTACACTTATGTGGCTACTTCTTTTC[A>T]GGATGAATCTCACTTCCTCAAAAACAGTAGGACTGCCCGCTGTCGAGCAGCTATGCCGGT-3'

ClinVar aggregate classification (germline): Likely pathogenic (1 of 4 stars; one submission).

Conditions:
Schimke immuno-osseous dysplasia (SIOD). Also called: Schimke Immunoosseous Dysplasia. Identifiers: Orphanet 1830, MedGen C0877024, MONDO:0009458, OMIM 242900.

Submission:

Labcorp Genetics (formerly Invitae), Labcorp
Classification: Likely pathogenic for Schimke immuno-osseous dysplasia. Last evaluated: 2023-08-10. Review status: criteria provided, single submitter. Criteria: Invitae Variant Classification Sherloc (09022015). Collection method: clinical testing. Allele origin: germline.
Comment: This sequence change affects an acceptor splice site in intron 9 of the SMARCAL1 gene. It is expected to disrupt RNA splicing. Variants that disrupt the donor or acceptor splice site typically lead to a loss of protein function (PMID: 16199547), and loss-of-function variants in SMARCAL1 are known to be pathogenic (PMID: 11799392, 20301550). In summary, the currently available evidence indicates that the variant is pathogenic, but additional data are needed to prove that conclusively. Therefore, this variant has been classified as Likely Pathogenic. Algorithms developed to predict the effect of sequence changes on RNA splicing suggest that this variant may disrupt the consensus splice site. This variant has not been reported in the literature in individuals affected with SMARCAL1-related conditions. This variant is not present in population databases (gnomAD no frequency).

Literature cited by the submitters: PubMed 16199547; PubMed 11799392; PubMed 20301550.